The following is an entry in ClinVar:

NM_004259.7(RECQL5):c.1434C>T (p.Tyr478=)

Gene: RECQL5 (RecQ like helicase 5; minus strand). Cytogenetic location: 17q25.1.
Variant type: single nucleotide variant.
Coding change: c.1434C>T on transcript NM_004259.7 (MANE Select); coding-DNA position 1434, C replaced by T.
Protein change: p.Tyr478=; no amino-acid change (tyrosine 478 retained).
Molecular consequence: synonymous variant.
Genome position (GRCh38, 1-based): chr17:75,631,464, G>A on the plus strand (C>T on the coding strand, the complement: RECQL5 is on the minus strand). VCF-style: chr17-75631464-G-A. GRCh37 (hg19) VCF-style: chr17-73627544-G-A.
Identifiers: ClinVar variation 3031133 (VCV003031133.2), dbSNP rs752759372, ClinGen allele CA8767533.
Genomic context (GRCh38, chr17:75,631,464, plus strand): 5'-CCAGGCAATTCCAGCGGGTTGGAGCCCTGGCTTCTCGGCCCCTTACCTGCTGAAGTCCCC[G>A]TAGCCCTTGCGGCCTCCCTCATACAGCTCGGGGTCAAAGCCGTTCCCCTGGGAGGGCCCG-3'
Protein context (NP_004250.4, residues 468-488): PELYEGGRKG[Tyr478=]GDFSRYDEGS

ClinVar aggregate classification (germline): Likely benign (0 of 4 stars; one submission).

Conditions:
RECQL5-related disorder. Also called: RECQL5-related condition.

Allele frequency attached by ClinVar (database versions not stated): ExAC 0.00002.

Submission:

PreventionGenetics, part of Exact Sciences
Classification: Likely benign for RECQL5-related condition. Last evaluated: 2022-04-11. Review status: no assertion criteria provided. Collection method: clinical testing. Allele origin: germline.
Comment: This variant is classified as likely benign based on ACMG/AMP sequence variant interpretation guidelines (Richards et al. 2015 PMID: 25741868, with internal and published modifications).